The following is an entry in ClinVar:

NM_012470.4(TNPO3):c.2653G>T (p.Val885Leu)

Gene: TNPO3 (transportin 3; minus strand). Cytogenetic location: 7q32.1.
Variant type: single nucleotide variant.
Coding change: c.2653G>T on transcript NM_012470.4 (MANE Select); coding-DNA position 2653, G replaced by T.
Protein change: p.Val885Leu; replaces valine 885 with leucine.
Molecular consequence: missense variant. On other transcripts: non-coding transcript variant (18).
Genome position (GRCh38, 1-based): chr7:128,967,338, C>A on the plus strand (G>T on the coding strand, the complement: TNPO3 is on the minus strand). VCF-style: chr7-128967338-C-A. GRCh37 (hg19) VCF-style: chr7-128607392-C-A.
Other names: c.2461G>T, p.Val821Leu (NM_001191028.3, NM_001382223.1); c.2755G>T, p.Val919Leu (NM_001382216.1); c.2734G>T, p.Val912Leu (NM_001382217.1); c.2653G>T, p.Val885Leu (NM_001382218.1); c.2545G>T, p.Val849Leu (NM_001382219.1); c.2512G>T, p.Val838Leu (NM_001382220.1); c.2509G>T, p.Val837Leu (NM_001382221.1); c.2506G>T, p.Val836Leu (NM_001382222.1); short protein forms V821L, V912L, V836L, V837L, V849L, V885L, V838L, V919L.
Identifiers: ClinVar variation 2781639 (VCV002781639.3), dbSNP rs545012511, ClinGen allele CA369249858.
Genomic context (GRCh38, chr7:128,967,338, plus strand): 5'-ACCTAGTGACTTGCTTGTGGAAGTCTGTAAGTTGTTTGTGTGTCACTGTGACGGCTCCCA[C>A]GGTTGTTTCCTTTGGCAAACCTTTTAAGGAATTTTCTAACCATCGACAAAAAGTCTGTAT-3'
Protein context (NP_036602.1, residues 875-895): SLKGLPKETT[Val885Leu]GAVTVTHKQL

ClinVar aggregate classification (germline): Uncertain significance (1 of 4 stars; one submission).

Conditions:
Autosomal dominant limb-girdle muscular dystrophy type 1F (LGMDD2). Also called: Limb-girdle muscular dystrophy, type 1F; MUSCULAR DYSTROPHY, LIMB-GIRDLE, AUTOSOMAL DOMINANT 2. Identifiers: Orphanet 55595, MedGen C1842062, MONDO:0012034, OMIM 608423.

Submission:

Labcorp Genetics (formerly Invitae), Labcorp
Classification: Uncertain significance for Autosomal dominant limb-girdle muscular dystrophy type 1F. Last evaluated: 2022-11-23. Review status: criteria provided, single submitter. Criteria: Invitae Variant Classification Sherloc (09022015). Collection method: clinical testing. Allele origin: germline.
Comment: In summary, the available evidence is currently insufficient to determine the role of this variant in disease. Therefore, it has been classified as a Variant of Uncertain Significance. Algorithms developed to predict the effect of missense changes on protein structure and function (SIFT, PolyPhen-2, Align-GVGD) all suggest that this variant is likely to be tolerated. This variant has not been reported in the literature in individuals affected with TNPO3-related conditions. This variant is not present in population databases (gnomAD no frequency). This sequence change replaces valine, which is neutral and non-polar, with leucine, which is neutral and non-polar, at codon 885 of the TNPO3 protein (p.Val885Leu).